The following is an entry in ClinVar:

NM_000089.4(COL1A2):c.2495G>C (p.Gly832Ala)

Gene: COL1A2 (collagen type I alpha 2 chain; plus strand). Cytogenetic location: 7q21.3.
Variant type: single nucleotide variant.
Coding change: c.2495G>C on transcript NM_000089.4 (MANE Select); coding-DNA position 2495, G replaced by C.
Protein change: p.Gly832Ala; replaces glycine 832 with alanine.
Molecular consequence: missense variant.
Genome position (GRCh38, 1-based): chr7:94,423,048, G>C. VCF-style: chr7-94423048-G-C. GRCh37 (hg19) VCF-style: chr7-94052360-G-C.
Other names: short protein forms G832A.
Identifiers: ClinVar variation 4282381 (VCV004282381.2).

ClinVar aggregate classification (germline): Pathogenic (1 of 4 stars; one submission).

gnomAD v4.1: 1 of 1,614,204 alleles (0.000062%); highest among the groups gnomAD compares: Admixed American, 0.0017%; no homozygotes.

Submission:

GeneDx
Classification: Pathogenic. Last evaluated: 2026-01-26. Review status: criteria provided, single submitter. Criteria: GeneDx Variant Classification Process June 2021. Collection method: clinical testing. Allele origin: germline.
Comment: Occurs in the triple helical domain and replaces a glycine in a canonical Gly-X-Y repeat; missense substitution of a canonical glycine residue is expected to disrupt normal protein folding and function, and this is an established mechanism of disease (PMID: 34007986); Not observed at significant frequency in large population cohorts (gnomAD); In silico analysis supports that this missense variant has a deleterious effect on protein structure/function; Has not been previously published as pathogenic or benign to our knowledge; This variant is associated with the following publications: (PMID: 34007986)